The following is an entry in ClinVar:

ClinVar aggregate classification (germline): Pathogenic. Review status: criteria provided, multiple submitters, no conflicts (2 of 4 stars). 2 submissions from 2 submitters: Pathogenic (2). Last evaluated 2022-12-20.

Conditions:
Multiple congenital exostosis (EXT). Also called: Multiple osteochondromas; MULTIPLE CARTILAGINOUS EXOSTOSES; Hereditary multiple exostoses; Hereditary multiple exostosis; Hereditary multiple osteochondromas; Multiple exostoses. Identifiers: Orphanet 321, MedGen C0015306, MONDO:0005508, HP:0002762.

Submissions (2):

GeneDx
Classification: Pathogenic. Last evaluated: 2022-12-20. Review status: criteria provided, single submitter. Criteria: GeneDx Variant Classification Process June 2021. Collection method: clinical testing. Allele origin: germline. Affected: yes.
Comment: Nonsense variant predicted to result in protein truncation or nonsense mediated decay in a gene for which loss of function is a known mechanism of disease; Not observed at significant frequency in large population cohorts (gnomAD); This variant is associated with the following publications: (PMID: 30806661)

Labcorp Genetics (formerly Invitae), Labcorp
Classification: Pathogenic for Multiple congenital exostosis. Last evaluated: 2021-10-23. Review status: criteria provided, single submitter. Criteria: Invitae Variant Classification Sherloc (09022015). Collection method: clinical testing. Allele origin: germline.
Comment: This sequence change creates a premature translational stop signal (p.Gln213*) in the EXT1 gene. It is expected to result in an absent or disrupted protein product. Loss-of-function variants in EXT1 are known to be pathogenic (PMID: 10679937, 11391482, 19810120). This variant is not present in population databases (gnomAD no frequency). This premature translational stop signal has been observed in individual(s) with hereditary multiple osteochondromas (PMID: 30806661). For these reasons, this variant has been classified as Pathogenic.

Literature cited by the submitters: PubMed 10679937 (cited by Labcorp Genetics (formerly Invitae), Labcorp); PubMed 11391482 (cited by Labcorp Genetics (formerly Invitae), Labcorp); PubMed 19810120 (cited by Labcorp Genetics (formerly Invitae), Labcorp); PubMed 30806661 (cited by Labcorp Genetics (formerly Invitae), Labcorp).

NM_000127.3(EXT1):c.637C>T (p.Gln213Ter)

Gene: EXT1 (exostosin glycosyltransferase 1; minus strand). Cytogenetic location: 8q24.11.
Variant type: single nucleotide variant.
Coding change: c.637C>T on transcript NM_000127.3 (MANE Select); coding-DNA position 637, C replaced by T.
Protein change: p.Gln213Ter; replaces glutamine 213 with a stop codon.
Molecular consequence: nonsense.
Genome position (GRCh38, 1-based): chr8:118,110,410, G>A on the plus strand (C>T on the coding strand, the complement: EXT1 is on the minus strand). VCF-style: chr8-118110410-G-A. GRCh37 (hg19) VCF-style: chr8-119122649-G-A.
Other names: c.637C>T (NM_000127.2); short protein forms Q213*.
Identifiers: ClinVar variation 1456109 (VCV001456109.7), dbSNP rs2130042549, ClinGen allele CA371915390.